The following is an entry in ClinVar:

NM_015978.3(TNNI3K):c.1978A>G (p.Thr660Ala)

Genes: TNNI3K (TNNI3 interacting kinase; plus strand), FPGT-TNNI3K (FPGT-TNNI3K readthrough; plus strand). Cytogenetic location: 1p31.1.
Variant type: single nucleotide variant.
Coding change: c.1978A>G on transcript NM_015978.3 (MANE Select); coding-DNA position 1978, A replaced by G.
Protein change: p.Thr660Ala; replaces threonine 660 with alanine.
Molecular consequence: missense variant.
Genome position (GRCh38, 1-based): chr1:74,439,589, A>G. VCF-style: chr1-74439589-A-G. GRCh37 (hg19) VCF-style: chr1-74905273-A-G.
Other names: c.2281A>G, p.Thr761Ala (NM_001112808.3, NM_001199327.2); short protein forms T761A, T660A.
Identifiers: ClinVar variation 2063639 (VCV002063639.4), dbSNP rs1666286197, ClinGen allele CA340789962.

ClinVar aggregate classification (germline): Uncertain significance (1 of 4 stars; one submission).

Allele frequency attached by ClinVar (database versions not stated): TOPMed below 0.00001.

Submission:

Labcorp Genetics (formerly Invitae), Labcorp
Classification: Uncertain significance. Last evaluated: 2025-10-01. Review status: criteria provided, single submitter. Criteria: Invitae Variant Classification Sherloc (09022015). Collection method: clinical testing. Allele origin: germline.
Comment: This sequence change replaces threonine, which is neutral and polar, with alanine, which is neutral and non-polar, at codon 660 of the TNNI3K protein (p.Thr660Ala). This variant is not present in population databases (gnomAD no frequency). This variant has not been reported in the literature in individuals affected with TNNI3K-related conditions. ClinVar contains an entry for this variant (Variation ID: 2063639). An algorithm developed to predict the effect of missense changes on protein structure and function (PolyPhen-2) suggests that this variant is likely to be tolerated. In summary, the available evidence is currently insufficient to determine the role of this variant in disease. Therefore, it has been classified as a Variant of Uncertain Significance.